The following is an entry in ClinVar:

NM_024757.5(EHMT1):c.149C>T (p.Ala50Val)

Gene: EHMT1 (euchromatic histone lysine methyltransferase 1; plus strand). Cytogenetic location: 9q34.3.
Variant type: single nucleotide variant.
Coding change: c.149C>T on transcript NM_024757.5 (MANE Select); coding-DNA position 149, C replaced by T.
Protein change: p.Ala50Val; replaces alanine 50 with valine.
Molecular consequence: missense variant.
Genome position (GRCh38, 1-based): chr9:137,716,689, C>T. VCF-style: chr9-137716689-C-T. GRCh37 (hg19) VCF-style: chr9-140611141-C-T.
Other names: c.149C>T, p.Ala50Val (NM_001145527.2, NM_001354263.2, NM_001354611.2); c.56C>T, p.Ala19Val (NM_001354259.2, NM_001354612.2); short protein forms A19V, A50V.
Identifiers: ClinVar variation 660553 (VCV000660553.19), dbSNP rs143155406, ClinGen allele CA5374191.

ClinVar aggregate classification (germline): Conflicting classifications of pathogenicity. Review status: criteria provided, conflicting classifications (1 of 4 stars). 6 submissions from 6 submitters: Uncertain significance (1); Benign (2); Likely benign (2). 1 of the submissions does not count toward it. Last evaluated 2026-01-05.

Conditions:
Inborn genetic diseases. Identifiers: MedGen C0950123, MeSH D030342.
Kleefstra syndrome 1 (KLEFS1). Identifiers: Orphanet 261494, MedGen C0795833, MONDO:0027407, OMIM 610253.
EHMT1-related disorder. Also called: EHMT1-related condition.

Allele frequency attached by ClinVar (database versions not stated): TOPMed 0.00005; gnomAD 0.00006; ExAC 0.00011; ESP Exome Variant Server 0.00015.

Submissions (6):

Labcorp Genetics (formerly Invitae), Labcorp
Classification: Benign for Kleefstra syndrome 1. Last evaluated: 2026-01-05. Review status: criteria provided, single submitter. Criteria: Invitae Variant Classification Sherloc (09022015). Collection method: clinical testing. Allele origin: germline.

Laboratory of Genetics, Children's Clinical University Hospital Latvia
Classification: Likely benign. Last evaluated: 2025-02-16. Review status: criteria provided, single submitter. Criteria: ACMG Guidelines, 2015. Collection method: clinical testing. Allele origin: germline. Affected: yes.

GeneDx
Classification: Likely benign. Last evaluated: 2020-09-28. Review status: criteria provided, single submitter. Criteria: GeneDx Variant Classification Process June 2021. Collection method: clinical testing. Allele origin: germline. Affected: yes.

Ambry Genetics
Classification: Benign for Inborn genetic diseases. Last evaluated: 2019-06-14. Review status: criteria provided, single submitter. Criteria: Ambry Variant Classification Scheme 2023. Collection method: clinical testing. Allele origin: germline.

Institute of Human Genetics, University of Leipzig Medical Center
Classification: Uncertain significance for Kleefstra syndrome 1. Last evaluated: 2017-12-13. Review status: criteria provided, single submitter. Criteria: ACMG Guidelines, 2015. Collection method: clinical testing. Allele origin: germline. Affected: yes. Observed: 1 variant allele.

PreventionGenetics, part of Exact Sciences
Classification: Likely benign for EHMT1-related condition. Last evaluated: 2020-12-23. Review status: no assertion criteria provided. Collection method: clinical testing. Allele origin: germline. Not counted in ClinVar's aggregate classification.
Comment: This variant is classified as likely benign based on ACMG/AMP sequence variant interpretation guidelines (Richards et al. 2015 PMID: 25741868, with internal and published modifications).